The following is an entry in ClinVar:

ClinVar aggregate classification (germline): Uncertain significance (1 of 4 stars; one submission).

Conditions:
MHC class I deficiency. Identifiers: Orphanet 34592, MedGen C6024714, MONDO:0011476.

Allele frequency attached by ClinVar (database versions not stated): TOPMed below 0.00001; gnomAD 0.00002.
gnomAD v4.1: 3 of 1,614,012 alleles (0.00019%); highest among the groups gnomAD compares: African/African-American, 0.0013%; no homozygotes.

Submission:

Labcorp Genetics (formerly Invitae), Labcorp
Classification: Uncertain significance for MHC class I deficiency 1. Last evaluated: 2018-11-17. Review status: criteria provided, single submitter. Criteria: Invitae Variant Classification Sherloc (09022015). Collection method: clinical testing. Allele origin: germline.
Comment: In summary, the available evidence is currently insufficient to determine the role of this variant in disease. Therefore, it has been classified as a Variant of Uncertain Significance. Algorithms developed to predict the effect of missense changes on protein structure and function are either unavailable or do not agree on the potential impact of this missense change (SIFT: "Tolerated"; PolyPhen-2: "Possibly Damaging"; Align-GVGD: "Class C0"). This variant has not been reported in the literature in individuals with TAP1-related disease. This variant is not present in population databases (ExAC no frequency). This sequence change replaces proline with leucine at codon 546 of the TAP1 protein (p.Pro546Leu). The proline residue is moderately conserved and there is a moderate physicochemical difference between proline and leucine.

NM_000593.6(TAP1):c.1457C>T (p.Pro486Leu)

Gene: TAP1 (transporter 1, ATP binding cassette subfamily B member; minus strand). Cytogenetic location: 6p21.32.
Variant type: single nucleotide variant.
Coding change: c.1457C>T on transcript NM_000593.6 (MANE Select); coding-DNA position 1457, C replaced by T.
Protein change: p.Pro486Leu; replaces proline 486 with leucine.
Molecular consequence: missense variant.
Genome position (GRCh38, 1-based): chr6:32,848,761, G>A on the plus strand (C>T on the coding strand, the complement: TAP1 is on the minus strand). VCF-style: chr6-32848761-G-A. GRCh37 (hg19) VCF-style: chr6-32816538-G-A.
Other names: c.854C>T, p.Pro285Leu (NM_001292022.2); short protein forms P546L, P285L, P486L.
Identifiers: ClinVar variation 647622 (VCV000647622.6), dbSNP rs1198262227, ClinGen allele CA363591928.
Genomic context (GRCh38, chr6:32,848,761, plus strand): 5'-TGGAACTGGACAAGGCCCTCCAAGTGTAAGGGAGTCAACAGACCACTGGGTGGGCAGCGA[G>A]GGGTGCGGTCCAGGTACTCAAATATTTTCTCTGAGGAGCCCACAGCCTTCTGTACTCTGG-3'
Protein context (NP_000584.3, residues 476-496): EKIFEYLDRT[Pro486Leu]RCPPSGLLTP